The following is an entry in ClinVar:

ClinVar aggregate classification (germline): Uncertain significance. Review status: criteria provided, multiple submitters, no conflicts (2 of 4 stars). 2 submissions from 2 submitters: Uncertain significance (2). Last evaluated 2026-02-06.

Conditions:
Inborn genetic diseases. Identifiers: MedGen C0950123, MeSH D030342.

Submissions (2):

Women's Health and Genetics/Laboratory Corporation of America, LabCorp
Classification: Uncertain significance. Last evaluated: 2026-02-06. Review status: criteria provided, single submitter. Criteria: LabCorp Variant Classification Summary - May 2015. Collection method: clinical testing. Allele origin: germline.
Comment: Variant summary: CORO1A c.373G>A (p.Val125Ile) results in a conservative amino acid change in the encoded protein sequence. Algorithms developed to predict the effect of missense changes on protein structure and function are either unavailable or do not agree on the potential impact of this missense change. The variant allele was found at a frequency of 8e-06 in 248552 control chromosomes. The available data on variant occurrences in the general population are insufficient to allow any conclusion about variant significance. To our knowledge, no occurrence of c.373G>A in individuals affected with CORO1A-related conditions and no experimental evidence demonstrating its impact on protein function have been reported. ClinVar contains an entry for this variant (Variation ID: 4005878). Based on the evidence outlined above, the variant was classified as uncertain significance.

Ambry Genetics
Classification: Uncertain significance for Inborn genetic diseases. Last evaluated: 2025-06-07. Review status: criteria provided, single submitter. Criteria: Ambry Variant Classification Scheme 2023. Collection method: clinical testing. Allele origin: germline.

NM_007074.4(CORO1A):c.373G>A (p.Val125Ile)

Gene: CORO1A (coronin 1A; plus strand). Cytogenetic location: 16p11.2.
Variant type: single nucleotide variant.
Coding change: c.373G>A on transcript NM_007074.4 (MANE Select); coding-DNA position 373, G replaced by A.
Protein change: p.Val125Ile; replaces valine 125 with isoleucine.
Molecular consequence: missense variant.
Genome position (GRCh38, 1-based): chr16:30,186,867, G>A. VCF-style: chr16-30186867-G-A. GRCh37 (hg19) VCF-style: chr16-30198188-G-A.
Other names: c.373G>A, p.Val125Ile (NM_001193333.3); short protein forms V125I.
Identifiers: ClinVar variation 4005878 (VCV004005878.2).